The following is an entry in ClinVar:

ClinVar aggregate classification (germline): conflicting data from submitters (0 of 4 stars; one submission).

Submission:

ISCA site 19
Classification: conflicting data from submitters. Review status: no assertion criteria provided. Collection method: clinical testing. Allele origin: unknown. Affected: yes. Observed: 3 variant alleles. Clinical features observed: Global developmental delay (HP:0001263).
Comment: Uncertain significance(1), Likely benign (2)

Copy number variation identified through the course of routine clinical cytogenomic testing in postnatal populations, with clinical assertions as classified by the original submitter. For data from the original published study, Kaminsky, et al. 2011 (PubMed 21844811), please see nstd101.

NCBI36/hg18 4q28.3(chr4:135146708-135373396)x1

Variant type: copy number loss.
Identifiers: ClinVar variation 402012 (VCV000402012.2).